The following is an entry in ClinVar:

ClinVar aggregate classification (germline): Pathogenic/Likely pathogenic. Review status: criteria provided, multiple submitters, no conflicts (2 of 4 stars). 4 submissions from 4 submitters: Pathogenic (3); Likely pathogenic (1). Last evaluated 2026-01-26.

Conditions:
Hereditary cancer-predisposing syndrome. Also called: Tumor predisposition; Hereditary Cancer Syndrome; Neoplastic Syndromes, Hereditary; Hereditary neoplastic syndrome. Identifiers: Orphanet 140162, MedGen C0027672, MeSH D009386, MONDO:0015356.
Familial cancer of breast. Also called: Hereditary breast cancer; BREAST CANCER, FAMILIAL; hereditary breast carcinoma. Identifiers: Orphanet 227535, MedGen C0346153, MONDO:0016419, OMIM 114480. Disease mechanism: loss of function.
Fanconi anemia complementation group J. Also called: BRIP1-Related Fanconi Anemia. Identifiers: Orphanet 84, MedGen C1836860, MONDO:0012187, OMIM 609054.

Submissions (4):

Ambry Genetics
Classification: Pathogenic for Hereditary cancer-predisposing syndrome. Last evaluated: 2026-01-26. Review status: criteria provided, single submitter. Criteria: Ambry Variant Classification Scheme 2023. Collection method: clinical testing. Allele origin: germline.
Comment: The c.2205dupT pathogenic mutation, located in coding exon 14 of the BRIP1 gene, results from a duplication of T at nucleotide position 2205, causing a translational frameshift with a predicted alternate stop codon (p.D736*). This variant is considered to be rare based on population cohorts in the Genome Aggregation Database (gnomAD). This alteration is expected to result in loss of function by premature protein truncation or nonsense-mediated mRNA decay. As such, this alteration is interpreted as a disease-causing mutation.

Myriad Genetics, Inc.
Classification: Pathogenic for Familial cancer of breast. Last evaluated: 2023-06-06. Review status: criteria provided, single submitter. Criteria: Myriad Autosomal Dominant, Autosomal Recessive and X-Linked Classification Criteria (2023). Collection method: clinical testing. Allele origin: unknown.
Comment: This variant is considered pathogenic. This variant creates a termination codon and is predicted to result in premature protein truncation.

Labcorp Genetics (formerly Invitae), Labcorp
Classification: Pathogenic for Familial cancer of breast; Fanconi anemia complementation group J. Last evaluated: 2022-09-14. Review status: criteria provided, single submitter. Criteria: Invitae Variant Classification Sherloc (09022015). Collection method: clinical testing. Allele origin: germline.
Comment: For these reasons, this variant has been classified as Pathogenic. This variant has not been reported in the literature in individuals affected with BRIP1-related conditions. ClinVar contains an entry for this variant (Variation ID: 546045). RNA analysis performed to evaluate the impact of this premature translational stop signal on mRNA splicing indicates it does not significantly alter splicing (Invitae). This sequence change creates a premature translational stop signal (p.Asp736*) in the BRIP1 gene. It is expected to result in an absent or disrupted protein product. Loss-of-function variants in BRIP1 are known to be pathogenic (PMID: 16116423, 17033622, 21964575). This variant is not present in population databases (gnomAD no frequency).

GeneDx
Classification: Likely pathogenic. Last evaluated: 2016-01-05. Review status: criteria provided, single submitter. Criteria: GeneDx Variant Classification (06012015). Collection method: clinical testing. Allele origin: germline. Affected: yes.
Comment: This variant is denoted BRIP1 c.2205dupT at the cDNA level and p.Asp736Ter (D736X) at the protein level. The substitution creates a nonsense variant, which changes an Aspartic Acid to a premature stop codon (GAT>TGA) , and is predicted to cause loss of normal protein function through either protein truncation or nonsense-mediated mRNA decay. Although this variant has not, to our knowledge, been reported in the literature, it is considered likely pathogenic. BRIP1 has been only recently described in association with cancer predisposition and the risks are not well understood. The presence of a BRIP1 pathogenic variant may confer an increased risk for female breast and ovarian cancer, and possibly pancreatic (Seal 2006, Rafnar 2011, Pennington 2014). In a case-control study of BRCA-negative women with breast cancer, truncating BRIP1 pathogenic variants were identified in 0.7% (9/1,212) women with breast cancer and 0.1% (2/2,081) controls, suggesting some increased breast cancer risk (OR = 2.0, p=0.012) (Seal 2006). Pennington et al. (2014) also identified germline BRIP1 pathogenic variants in 1.1% (4/367) patients with ovarian cancer, peritoneal cancer or fallopian tube cancer. It has been hypothesized that BRIP1 may be a low penetrance allele as families with multiple cases of breast cancer found to harbor a BRIP1 pathogenic variant have shown incomplete segregation with disease (Seal 2006). Fanconi anemia (FA) is a rare autosomal recessive condition that can be caused by two pathogenic variants (one in each copy of the gene) in the BRIP1 gene (Seal 2006). This condition is characterized by physical abnormalities, bone marrow failure, and increased risk for malignancy in children including leukemia and certain solid tumors. The Fanconi anemia phenotype due to BRIP1 pathogenic variants is thought to result in a lower rate of childhood solid tumors compared to the phenotype due to two BRCA2 pathogenic variants (Apostolou 2013). If both parents carry a BRIP1 pathogenic variant, the risk to have a child with FA is 25% for each pregnancy.

Literature cited by the submitters: PubMed 16116423 (cited by Labcorp Genetics (formerly Invitae), Labcorp); PubMed 17033622 (cited by Labcorp Genetics (formerly Invitae), Labcorp); PubMed 21964575 (cited by Labcorp Genetics (formerly Invitae), Labcorp).

NM_032043.3(BRIP1):c.2205dup (p.Asp736Ter)

Gene: BRIP1 (BRCA1 interacting DNA helicase 1; minus strand). Cytogenetic location: 17q23.2.
Variant type: Duplication.
Coding change: c.2205dup on transcript NM_032043.3 (MANE Select); coding-DNA position 2205, one base duplicated (T; older notation c.2205dupT).
Protein change: p.Asp736Ter; replaces aspartic acid 736 with a stop codon.
Molecular consequence: nonsense.
Genome position (GRCh38, 1-based): chr17:61,744,484, A duplicated on the plus strand (T on the coding strand, the reverse complement: BRIP1 is on the minus strand); the first of 4 consecutive A bases (chr17:61,744,484-61,744,487); duplicating any one gives the same sequence. VCF-style (leftmost placement, unchanged base first): chr17-61744483-C-CA. GRCh37 (hg19) VCF-style: chr17-59821844-C-CA.
Other names: c.2205dupT (NM_032043.2); short protein forms D736*.
Identifiers: ClinVar variation 546045 (VCV000546045.13), dbSNP rs1555591385, ClinGen allele CA658824413.